The following is an entry in ClinVar:

ClinVar aggregate classification (germline): Uncertain significance (1 of 4 stars; one submission).

Conditions:
Long QT syndrome (LQTS). Identifiers: MedGen C0023976, MeSH D008133, MONDO:0002442. Disease mechanism: loss of function. Inheritance: Various modes of inheritance.

Allele frequency attached by ClinVar (database versions not stated): gnomAD 0.00001; TOPMed 0.00001.

Submission:

Labcorp Genetics (formerly Invitae), Labcorp
Classification: Uncertain significance for Long QT syndrome. Last evaluated: 2022-01-19. Review status: criteria provided, single submitter. Criteria: Invitae Variant Classification Sherloc (09022015). Collection method: clinical testing. Allele origin: germline.
Comment: This sequence change replaces lysine, which is basic and polar, with arginine, which is basic and polar, at codon 92 of the SNTA1 protein (p.Lys92Arg). This variant is not present in population databases (gnomAD no frequency). In summary, the available evidence is currently insufficient to determine the role of this variant in disease. Therefore, it has been classified as a Variant of Uncertain Significance. Algorithms developed to predict the effect of sequence changes on RNA splicing suggest that this variant may create or strengthen a splice site. Algorithms developed to predict the effect of missense changes on protein structure and function are either unavailable or do not agree on the potential impact of this missense change (SIFT: "Deleterious"; PolyPhen-2: "Probably Damaging"; Align-GVGD: "Class C0"). This variant has not been reported in the literature in individuals affected with SNTA1-related conditions.

NM_003098.3(SNTA1):c.275A>G (p.Lys92Arg)

Genes: SNTA1 (syntrophin alpha 1; minus strand), LOC130065679 (ATAC-STARR-seq lymphoblastoid silent region 12811; plus strand). Cytogenetic location: 20q11.21.
Variant type: single nucleotide variant.
Coding change: c.275A>G on transcript NM_003098.3 (MANE Select); coding-DNA position 275, A replaced by G.
Protein change: p.Lys92Arg; replaces lysine 92 with arginine.
Molecular consequence: missense variant.
Genome position (GRCh38, 1-based): chr20:33,443,346, T>C on the plus strand (A>G on the coding strand, the complement: SNTA1 is on the minus strand). VCF-style: chr20-33443346-T-C. GRCh37 (hg19) VCF-style: chr20-32031152-T-C.
Other names: short protein forms K92R.
Identifiers: ClinVar variation 1956844 (VCV001956844.5), dbSNP rs962887472, ClinGen allele CA313278910.
Genomic context (GRCh38, chr20:33,443,346, plus strand): 5'-CGCGCCCTCGGTGTCCCGCGCCCACCTTTGATGCTGATGCCCAGCCCACCGGCGTCGGCC[T>C]TGCGCACCGTCACGCGGCGCCGCTGGAGCAGTAGCGCCTCTGGCAGCTGCGGGGGCCCGG-3'
Protein context (NP_003089.1, residues 82-102): LLQRRRVTVR[Lys92Arg]ADAGGLGISI